The following is an entry in ClinVar:

ClinVar aggregate classification (germline): Uncertain significance (1 of 4 stars; one submission).

Allele frequency attached by ClinVar (database versions not stated): gnomAD exomes below 0.00001.
gnomAD v4.1: 1 of 1,614,062 alleles (0.000062%); highest among the groups gnomAD compares: South Asian, 0.0011%; no homozygotes.

Submission:

Labcorp Genetics (formerly Invitae), Labcorp
Classification: Uncertain significance. Last evaluated: 2023-04-12. Review status: criteria provided, single submitter. Criteria: Invitae Variant Classification Sherloc (09022015). Collection method: clinical testing. Allele origin: germline.
Comment: This sequence change replaces glutamine, which is neutral and polar, with lysine, which is basic and polar, at codon 1240 of the USH2A protein (p.Gln1240Lys). This variant is not present in population databases (gnomAD no frequency). This variant has not been reported in the literature in individuals affected with USH2A-related conditions. ClinVar contains an entry for this variant (Variation ID: 2013463). Advanced modeling of protein sequence and biophysical properties (such as structural, functional, and spatial information, amino acid conservation, physicochemical variation, residue mobility, and thermodynamic stability) has been performed at Invitae for this missense variant, however the output from this modeling did not meet the statistical confidence thresholds required to predict the impact of this variant on USH2A protein function. In summary, the available evidence is currently insufficient to determine the role of this variant in disease. Therefore, it has been classified as a Variant of Uncertain Significance.

NM_206933.4(USH2A):c.3718C>A (p.Gln1240Lys)

Genes: USH2A (usherin; minus strand), USH2A-AS1 (USH2A antisense RNA 1; plus strand). Cytogenetic location: 1q41.
Variant type: single nucleotide variant.
Coding change: c.3718C>A on transcript NM_206933.4 (MANE Select); coding-DNA position 3718, C replaced by A.
Protein change: p.Gln1240Lys; replaces glutamine 1240 with lysine.
Molecular consequence: missense variant.
Genome position (GRCh38, 1-based): chr1:216,199,720, G>T on the plus strand (C>A on the coding strand, the complement: USH2A is on the minus strand). VCF-style: chr1-216199720-G-T. GRCh37 (hg19) VCF-style: chr1-216373062-G-T.
Other names: c.3718C>A, p.Gln1240Lys (NM_007123.6); short protein forms Q1240K.
Identifiers: ClinVar variation 2013463 (VCV002013463.4), dbSNP rs2528045649, ClinGen allele CA344867834.